The following is an entry in ClinVar:

NM_000297.4(PKD2):c.2509G>T (p.Glu837Ter)

Gene: PKD2 (polycystin 2, transient receptor potential cation channel; plus strand). Cytogenetic location: 4q22.1.
Variant type: single nucleotide variant.
Coding change: c.2509G>T on transcript NM_000297.4 (MANE Select); coding-DNA position 2509, G replaced by T.
Protein change: p.Glu837Ter; replaces glutamic acid 837 with a stop codon.
Molecular consequence: nonsense. On other transcripts: non-coding transcript variant (1).
Genome position (GRCh38, 1-based): chr4:88,068,048, G>T. VCF-style: chr4-88068048-G-T. GRCh37 (hg19) VCF-style: chr4-88989200-G-T.
Other names: c.2284G>T, p.Glu762Ter (NM_001440544.1); short protein forms E762*, E837*.
Identifiers: ClinVar variation 5019749 (VCV005019749.1).

ClinVar aggregate classification (germline): Pathogenic (1 of 4 stars; one submission).

Conditions:
Polycystic kidney disease 2 (PKD2). Also called: POLYCYSTIC KIDNEY DISEASE 2 WITH OR WITHOUT POLYCYSTIC LIVER DISEASE; Polycystic Kidney Disease 2, Autosomal Dominant; POLYCYSTIC KIDNEY DISEASE, ADULT, TYPE II. Identifiers: MedGen C2751306, MONDO:0013131, OMIM 613095.

Submission:

Juno Genomics, Hangzhou Juno Genomics, Inc
Classification: Pathogenic for Polycystic kidney disease 2. Review status: criteria provided, single submitter. Criteria: ACMG Guidelines, 2015. Collection method: clinical testing. Allele origin: germline. Affected: yes.
Comment: Absent from controls (or at extremely low frequency if recessive) in Genome Aggregation Database.;Null variant in a gene where loss of function (LOF) is a known mechanism of disease.;The prevalence of the variant in affected individuals is significantly increased compared to the prevalence in controls.;Co-segregation with disease in multiple affected family members.